The following is an entry in ClinVar:

NM_017849.4(TMEM127):c.550G>A (p.Gly184Ser)

Gene: TMEM127 (transmembrane protein 127; minus strand). Cytogenetic location: 2q11.2.
Variant type: single nucleotide variant.
Coding change: c.550G>A on transcript NM_017849.4 (MANE Select); coding-DNA position 550, G replaced by A.
Protein change: p.Gly184Ser; replaces glycine 184 with serine.
Molecular consequence: missense variant.
Genome position (GRCh38, 1-based): chr2:96,253,975, C>T on the plus strand (G>A on the coding strand, the complement: TMEM127 is on the minus strand). VCF-style: chr2-96253975-C-T. GRCh37 (hg19) VCF-style: chr2-96919713-C-T.
Other names: c.550G>A, p.Gly184Ser (NM_001193304.3); short protein forms G184S.
Identifiers: ClinVar variation 958007 (VCV000958007.9), dbSNP rs1060500597, ClinGen allele CA347652389.
Genomic context (GRCh38, chr2:96,253,975, plus strand): 5'-CTTCCTCTGTGGGGTAGTGGCGCAGGAGGTTGGCTGCCGTGGCCAGGATTGAGGCTCCAC[C>T]AGCTCCTGCCACCAGGTAGAAGCTAACGGCGAAGGTGACATAGACCTGGGATCCATGGTA-3'
Protein context (NP_060319.1, residues 174-194): AVSFYLVAGA[Gly184Ser]GASILATAAN

ClinVar aggregate classification (germline): Uncertain significance (1 of 4 stars; one submission).

Conditions:
Hereditary pheochromocytoma and paraganglioma. Also called: Hereditary pheochromocytoma-paraganglioma; Hereditary Paraganglioma-Pheochromocytoma Syndromes; Hereditary paragangliomas and pheochromocytomas. Identifiers: Orphanet 29072, MedGen C4274332, MONDO:0017366.

Submission:

Labcorp Genetics (formerly Invitae), Labcorp
Classification: Uncertain significance for Hereditary pheochromocytoma and paraganglioma. Last evaluated: 2024-07-22. Review status: criteria provided, single submitter. Criteria: Invitae Variant Classification Sherloc (09022015). Collection method: clinical testing. Allele origin: germline.
Comment: This sequence change replaces glycine, which is neutral and non-polar, with serine, which is neutral and polar, at codon 184 of the TMEM127 protein (p.Gly184Ser). This variant is not present in population databases (gnomAD no frequency). This variant has not been reported in the literature in individuals affected with TMEM127-related conditions. ClinVar contains an entry for this variant (Variation ID: 958007). An algorithm developed to predict the effect of missense changes on protein structure and function (PolyPhen-2) suggests that this variant is likely to be disruptive. In summary, the available evidence is currently insufficient to determine the role of this variant in disease. Therefore, it has been classified as a Variant of Uncertain Significance.